The following is an entry in ClinVar:

NM_000719.7(CACNA1C):c.4516C>T (p.Pro1506Ser)

Gene: CACNA1C (calcium voltage-gated channel subunit alpha1 C; plus strand). Cytogenetic location: 12p13.33.
Variant type: single nucleotide variant.
Coding change: c.4516C>T on transcript NM_000719.7 (MANE Select); coding-DNA position 4516, C replaced by T.
Protein change: p.Pro1506Ser; replaces proline 1506 with serine.
Molecular consequence: missense variant.
Genome position (GRCh38, 1-based): chr12:2,665,698, C>T. VCF-style: chr12-2665698-C-T. GRCh37 (hg19) VCF-style: chr12-2774864-C-T.
Other names: c.4660C>T, p.Pro1554Ser (NM_001129827.2, NM_199460.4); c.4582C>T, p.Pro1528Ser (NM_001129829.2); c.4516C>T, p.Pro1506Ser (NM_001129830.3, NM_001129833.2, NM_001129834.2 and 7 more transcripts); c.4600C>T, p.Pro1534Ser (NM_001129831.2); c.4576C>T, p.Pro1526Ser (NM_001129832.2); c.4567C>T, p.Pro1523Ser (NM_001129836.2); c.4483C>T, p.Pro1495Ser (NM_001129837.2, NM_001129838.2, NM_001129846.2 and 1 more transcripts); c.4477C>T, p.Pro1493Ser (NM_001129839.2); and 1 more; short protein forms P1493S, P1495S, P1503S, P1506S, P1523S, P1526S, P1528S, P1534S.
Identifiers: ClinVar variation 3253385 (VCV003253385.3), dbSNP rs1367643136.

ClinVar aggregate classification (germline): Uncertain significance. Review status: criteria provided, multiple submitters, no conflicts (2 of 4 stars). 2 submissions from 2 submitters: Uncertain significance (2). Last evaluated 2026-07-03.

Conditions:
Cardiovascular phenotype. Identifiers: MedGen CN230736.

gnomAD v4.1: 9 of 1,612,398 alleles (0.00056%); highest among the groups gnomAD compares: Non-Finnish European, 0.00068%; no homozygotes.

Submissions (2):

GeneDx
Classification: Uncertain significance. Last evaluated: 2026-07-03. Review status: criteria provided, single submitter. Criteria: GeneDx Variant Classification Process June 2021. Collection method: clinical testing. Allele origin: germline.
Comment: Not observed at significant frequency in large population cohorts (gnomAD); In silico analysis supports that this missense variant has a deleterious effect on protein structure/function; Has not been previously published as pathogenic or benign to our knowledge

Ambry Genetics
Classification: Uncertain significance for Cardiovascular phenotype. Last evaluated: 2026-03-23. Review status: criteria provided, single submitter. Criteria: Ambry Variant Classification Scheme 2023. Collection method: clinical testing. Allele origin: germline.
Comment: The c.4516C>T (p.P1506S) alteration is located in exon 36 (coding exon 36) of the CACNA1C gene. This alteration results from a C to T substitution at nucleotide position 4516, causing the proline (P) at amino acid position 1506 to be replaced by a serine (S). Based on data from gnomAD, the T allele has an overall frequency of <0.001% (1/248418) total alleles studied. The highest observed frequency was <0.001% (/) of alleles. Based on insufficient or conflicting evidence, the clinical significance of this alteration remains unclear.